The following is an entry in ClinVar:

ClinVar aggregate classification (germline): Benign/Likely benign. Review status: criteria provided, multiple submitters, no conflicts (2 of 4 stars). 3 submissions from 3 submitters: Benign (1); Likely benign (2). Last evaluated 2025-01-06.

Conditions:
Hereditary nonpolyposis colorectal neoplasms. Identifiers: MedGen C0009405, MeSH D003123.
Hereditary cancer-predisposing syndrome. Also called: Hereditary neoplastic syndrome; Neoplastic Syndromes, Hereditary; Tumor predisposition; Hereditary Cancer Syndrome. Identifiers: Orphanet 140162, MedGen C0027672, MeSH D009386, MONDO:0015356.
Lynch syndrome 5 (LYNCH5). Also called: Colorectal cancer, hereditary nonpolyposis, type 5; Hereditary non-polyposis colorectal cancer, type 5. Identifiers: Orphanet 144, MedGen C1833477, MONDO:0013710, OMIM 614350. Disease mechanism: loss of function.

Submissions (3):

Myriad Genetics, Inc.
Classification: Benign for Lynch syndrome 5. Last evaluated: 2025-01-06. Review status: criteria provided, single submitter. Criteria: Myriad Autosomal Dominant, Autosomal Recessive and X-Linked Classification Criteria (2023). Collection method: clinical testing. Allele origin: unknown.
Comment: This variant is considered benign. This variant is a silent/synonymous amino acid change and it is not expected to impact splicing.

Labcorp Genetics (formerly Invitae), Labcorp
Classification: Likely benign for Hereditary nonpolyposis colorectal neoplasms. Last evaluated: 2021-05-25. Review status: criteria provided, single submitter. Criteria: Invitae Variant Classification Sherloc (09022015). Collection method: clinical testing. Allele origin: germline.

Ambry Genetics
Classification: Likely benign for Hereditary cancer-predisposing syndrome. Last evaluated: 2020-11-23. Review status: criteria provided, single submitter. Criteria: Ambry Variant Classification Scheme 2023. Collection method: clinical testing. Allele origin: germline.

NM_000179.3(MSH6):c.3258C>T (p.Pro1086=)

Gene: MSH6 (mutS homolog 6; plus strand). Cytogenetic location: 2p16.3.
Variant type: single nucleotide variant.
Coding change: c.3258C>T on transcript NM_000179.3 (MANE Select); coding-DNA position 3258, C replaced by T.
Protein change: p.Pro1086=; no amino-acid change (proline 1086 retained).
Molecular consequence: synonymous variant.
Genome position (GRCh38, 1-based): chr2:47,803,505, C>T. VCF-style: chr2-47803505-C-T. GRCh37 (hg19) VCF-style: chr2-48030644-C-T.
Other names: c.2868C>T, p.Pro956= (NM_001281492.2); c.2352C>T, p.Pro784= (NM_001281493.2, NM_001281494.2).
Identifiers: ClinVar variation 215651 (VCV000215651.15), dbSNP rs863224331, ClinGen allele CA335718.
Genomic context (GRCh38, chr2:47,803,505, plus strand): 5'-TAGTCGAGGGGGTGATGGTCCTATGTGTCGCCCAGTAATTCTGTTGCCGGAAGATACCCC[C>T]CCCTTCTTAGAGCTTAAAGGATCACGCCATCCTTGCATTACGAAGACTTTTTTTGGAGAT-3'
Protein context (NP_000170.1, residues 1076-1096): RPVILLPEDT[Pro1086=]PFLELKGSRH